The following is an entry in ClinVar:

NM_014639.4(SKIC3):c.4348G>T (p.Ala1450Ser)

Gene: SKIC3 (SKI3 subunit of superkiller complex; minus strand). Cytogenetic location: 5q15.
Variant type: single nucleotide variant.
Coding change: c.4348G>T on transcript NM_014639.4 (MANE Select); coding-DNA position 4348, G replaced by T.
Protein change: p.Ala1450Ser; replaces alanine 1450 with serine.
Molecular consequence: missense variant.
Genome position (GRCh38, 1-based): chr5:95,478,307, C>A on the plus strand (G>T on the coding strand, the complement: SKIC3 is on the minus strand). VCF-style: chr5-95478307-C-A. GRCh37 (hg19) VCF-style: chr5-94814011-C-A.
Other names: short protein forms A1450S.
Identifiers: ClinVar variation 771827 (VCV000771827.13), dbSNP rs143227096, ClinGen allele CA3346418.

ClinVar aggregate classification (germline): Conflicting classifications of pathogenicity. Review status: criteria provided, conflicting classifications (1 of 4 stars). 3 submissions from 3 submitters: Uncertain significance (2); Likely benign (1). Last evaluated 2026-02-18.

Conditions:
SKIC3-related disorder. Also called: SKIC3-related condition.
Trichohepatoenteric syndrome 1 (THES1). Also called: DIARRHEA, FATAL INFANTILE, WITH TRICHORRHEXIS NODOSA. Identifiers: Orphanet 84064, MedGen C4551982, MONDO:0024541, OMIM 222470.

Allele frequency attached by ClinVar (database versions not stated): gnomAD exomes 0.00037 and 0.00085; gnomAD 0.00039 and 0.00054; ESP Exome Variant Server 0.00046; TOPMed 0.00050; ExAC 0.00103; 1000 Genomes Project 30x 0.00219; 1000 Genomes Project 0.00240.
gnomAD v4.1: 669 of 1,613,842 alleles (0.041%); highest among the groups gnomAD compares: South Asian, 0.48%; 4 homozygotes.

Submissions (3):

PreventionGenetics, part of Exact Sciences
Classification: Uncertain significance for SKIC3-related condition. Last evaluated: 2026-02-18. Review status: criteria provided, single submitter. Criteria: ACMG Guidelines, 2015. Collection method: clinical testing. Allele origin: germline.
Comment: The SKIC3 c.4348G>T variant is predicted to result in the amino acid substitution p.Ala1450Ser. This variant has been reported in the de novo heterozygous state in an individual with Crohn's disease (Zhang et al. 2023. PubMed ID: 37878822). This variant is reported in 0.48% of alleles in individuals of South Asian descent in gnomAD, which may be too common to be causative. At this time, the clinical significance of this variant is uncertain due to the absence of conclusive functional and genetic evidence.

Labcorp Genetics (formerly Invitae), Labcorp
Classification: Likely benign. Last evaluated: 2026-01-31. Review status: criteria provided, single submitter. Criteria: Invitae Variant Classification Sherloc (09022015). Collection method: clinical testing. Allele origin: germline.

Center for Genomics, Ann and Robert H. Lurie Children's Hospital of Chicago
Classification: Uncertain significance for Trichohepatoenteric syndrome 1. Last evaluated: 2021-12-03. Review status: criteria provided, single submitter. Criteria: ACMG Guidelines, 2015. Collection method: clinical testing. Allele origin: germline.
Comment: TTC37 NM_014639.3 exon 40 p.Ala1450Ser (c.4348G>T): This variant has not been reported in the literature but is present in 0.1% (52/41446) of African alleles in the Genome Aggregation Database. This variant is present in ClinVar (Variation ID:771827). Evolutionary conservation suggests that this variant may impact the protein; computational predictive tools suggest that this variant may not impact the protein. In summary, data on this variant is insufficient for disease classification. Therefore, the clinical significance of this variant is uncertain.